The following is an entry in ClinVar:

ClinVar aggregate classification (germline): Likely benign (0 of 4 stars; one submission).

Conditions:
PKD1L1-related disorder. Also called: PKD1L1-related condition.

Allele frequency attached by ClinVar (database versions not stated): gnomAD exomes 0.00002; TOPMed 0.00005; ExAC 0.00007; gnomAD 0.00008.

Submission:

PreventionGenetics, part of Exact Sciences
Classification: Likely benign for PKD1L1-related condition. Last evaluated: 2022-04-05. Review status: no assertion criteria provided. Collection method: clinical testing. Allele origin: germline.
Comment: This variant is classified as likely benign based on ACMG/AMP sequence variant interpretation guidelines (Richards et al. 2015 PMID: 25741868, with internal and published modifications).

NM_138295.5(PKD1L1):c.2952G>A (p.Thr984=)

Gene: PKD1L1 (polycystin 1 like 1, transient receptor potential channel interacting; minus strand). Cytogenetic location: 7p12.3.
Variant type: single nucleotide variant.
Coding change: c.2952G>A on transcript NM_138295.5 (MANE Select); coding-DNA position 2952, G replaced by A.
Protein change: p.Thr984=; no amino-acid change (threonine 984 retained).
Molecular consequence: synonymous variant.
Genome position (GRCh38, 1-based): chr7:47,885,939, C>T on the plus strand (G>A on the coding strand, the complement: PKD1L1 is on the minus strand). VCF-style: chr7-47885939-C-T. GRCh37 (hg19) VCF-style: chr7-47925537-C-T.
Identifiers: ClinVar variation 3042112 (VCV003042112.2), dbSNP rs760352465, ClinGen allele CA4253583.